The following is an entry in ClinVar:

ClinVar aggregate classification (germline): Uncertain significance. Review status: criteria provided, multiple submitters, no conflicts (2 of 4 stars). 2 submissions from 2 submitters: Uncertain significance (2). Last evaluated 2025-11-10.

Conditions:
Peutz-Jeghers syndrome (PJS). Also called: POLYPOSIS, HAMARTOMATOUS INTESTINAL; POLYPS-AND-SPOTS SYNDROME; Peutz-Jeghers polyposis; Periorificial lentiginosis syndrome. Identifiers: Orphanet 2869, MedGen C0031269, MeSH D010580, MONDO:0008280, OMIM 175200.
Hereditary cancer-predisposing syndrome. Also called: Hereditary Cancer Syndrome; Tumor predisposition; Neoplastic Syndromes, Hereditary; Hereditary neoplastic syndrome. Identifiers: Orphanet 140162, MedGen C0027672, MeSH D009386, MONDO:0015356.

Submissions (2):

Labcorp Genetics (formerly Invitae), Labcorp
Classification: Uncertain significance for Peutz-Jeghers syndrome. Last evaluated: 2025-11-10. Review status: criteria provided, single submitter. Criteria: Invitae Variant Classification Sherloc (09022015). Collection method: clinical testing. Allele origin: germline.
Comment: This sequence change replaces tyrosine, which is neutral and polar, with cysteine, which is neutral and slightly polar, at codon 118 of the STK11 protein (p.Tyr118Cys). This variant is not present in population databases (gnomAD no frequency). This variant has not been reported in the literature in individuals affected with STK11-related conditions. ClinVar contains an entry for this variant (Variation ID: 2040079). Invitae Evidence Modeling of protein sequence and biophysical properties (such as structural, functional, and spatial information, amino acid conservation, physicochemical variation, residue mobility, and thermodynamic stability) indicates that this missense variant is not expected to disrupt STK11 protein function with a negative predictive value of 95%. In summary, the available evidence is currently insufficient to determine the role of this variant in disease. Therefore, it has been classified as a Variant of Uncertain Significance.

Ambry Genetics
Classification: Uncertain significance for Hereditary cancer-predisposing syndrome. Last evaluated: 2025-04-20. Review status: criteria provided, single submitter. Criteria: Ambry Variant Classification Scheme 2023. Collection method: clinical testing. Allele origin: germline.
Comment: The p.Y118C variant (also known as c.353A>G), located in coding exon 2 of the STK11 gene, results from an A to G substitution at nucleotide position 353. The tyrosine at codon 118 is replaced by cysteine, an amino acid with highly dissimilar properties. This amino acid position is conserved. In addition, the in silico prediction for this alteration is inconclusive. Based on the available evidence, the clinical significance of this variant remains unclear.

NM_000455.5(STK11):c.353A>G (p.Tyr118Cys)

Gene: STK11 (serine/threonine kinase 11; plus strand). Cytogenetic location: 19p13.3.
Variant type: single nucleotide variant.
Coding change: c.353A>G on transcript NM_000455.5 (MANE Select); coding-DNA position 353, A replaced by G.
Protein change: p.Tyr118Cys; replaces tyrosine 118 with cysteine.
Molecular consequence: missense variant.
Genome position (GRCh38, 1-based): chr19:1,218,479, A>G. VCF-style: chr19-1218479-A-G. GRCh37 (hg19) VCF-style: chr19-1218478-A-G.
Other names: c.353A>G, p.Tyr118Cys (NM_001407255.1); short protein forms Y118C.
Identifiers: ClinVar variation 2040079 (VCV002040079.5), dbSNP rs2145420787, ClinGen allele CA089336.